The following is an entry in ClinVar:

NM_016816.4(OAS1):c.1065G>T (p.Glu355Asp)

Gene: OAS1 (2'-5'-oligoadenylate synthetase 1; plus strand). Cytogenetic location: 12q24.13.
Variant type: single nucleotide variant.
Coding change: c.1065G>T on transcript NM_016816.4 (MANE Select); coding-DNA position 1065, G replaced by T.
Protein change: p.Glu355Asp; replaces glutamic acid 355 with aspartic acid.
Molecular consequence: missense variant. On other transcripts: 3 prime UTR variant (5), non-coding transcript variant (7), intron variant (5).
Genome position (GRCh38, 1-based): chr12:112,919,415, G>T. VCF-style: chr12-112919415-G-T. GRCh37 (hg19) VCF-style: chr12-113357220-G-T.
Other names: c.*702G>T (NM_001406023.1, NM_001406029.1, NM_001406022.1); c.*1658G>T (NM_001406024.1, NM_001406030.1); c.591G>T, p.Glu197Asp (NM_001406027.1); c.1038+1715G>T (NM_001320151.2); c.1014+1715G>T (NM_001406025.1); c.1039-72G>T (NM_001032409.3); c.1015-72G>T (NM_001406020.1); c.565-72G>T (NM_001406026.1); and 1 more; short protein forms E197D, E347D, E355D.
Identifiers: ClinVar variation 4852289 (VCV004852289.1).

ClinVar aggregate classification (germline): Likely benign (1 of 4 stars; one submission).

Conditions:
Pulmonary alveolar proteinosis with hypogammaglobulinemia. Identifiers: Orphanet 572428, MedGen C4747984, MONDO:0020840, OMIM 618042.

Submission:

Centre for Medical Genetics,  Mumbai
Classification: Likely benign for Pulmonary alveolar proteinosis with hypogammaglobulinemia. Last evaluated: 2026-05-05. Review status: criteria provided, single submitter. Criteria: ACMG Guidelines, 2015. Collection method: provider interpretation. Allele origin: germline. Inheritance: Autosomal dominant inheritance. Affected: no. Observed: 1 variant allele, 1 heterozygote.
Comment: The variant satisfies PM2 criteria - extremely low frequency in gnomAD population databases. The variant satisfies BP4 criteria - for a missense or a splice region variant, computational prediction tools unanimously support a benign effect on the gene. However, the variant satisfies BS2 criteria - present in heterozygous state in an individual that clinically does not have Immunodeficiency.

Literature cited by the submitters: PubMed 29455859.